The following is an entry in ClinVar:

ClinVar aggregate classification (germline): Uncertain significance. Review status: criteria provided, multiple submitters, no conflicts (2 of 4 stars). 2 submissions from 2 submitters: Uncertain significance (2). Last evaluated 2025-02-18.

Conditions:
Early Myoclonic Encephalopathy. Identifiers: MedGen C0270855.

Allele frequency attached by ClinVar (database versions not stated): gnomAD exomes below 0.00001.
gnomAD v4.1: 2 of 1,613,832 alleles (0.00012%); highest among the groups gnomAD compares: South Asian, 0.0011%; no homozygotes.

Submissions (2):

Women's Health and Genetics/Laboratory Corporation of America, LabCorp
Classification: Uncertain significance. Last evaluated: 2025-02-18. Review status: criteria provided, single submitter. Criteria: LabCorp Variant Classification Summary - May 2015. Collection method: clinical testing. Allele origin: germline.
Comment: Variant summary: KCND2 c.1597C>T (p.Arg533X) results in a premature termination codon, predicted to cause a truncation of the encoded protein or absence of the protein due to nonsense mediated decay, however current evidence is not sufficient to establish loss of function as a mechanism for disease. The variant allele was found at a frequency of 1.2e-06 in 1613832 control chromosomes. The available data on variant occurrences in the general population are insufficient to allow any conclusion about variant significance. To our knowledge, no occurrence of c.1597C>T in individuals affected with Arrhythmia and no experimental evidence demonstrating its impact on protein function have been reported. ClinVar contains an entry for this variant (Variation ID: 2767767). Based on the evidence outlined above, the variant was classified as uncertain significance.

Labcorp Genetics (formerly Invitae), Labcorp
Classification: Uncertain significance for Early Myoclonic Encephalopathy. Last evaluated: 2023-10-12. Review status: criteria provided, single submitter. Criteria: Invitae Variant Classification Sherloc (09022015). Collection method: clinical testing. Allele origin: germline.
Comment: This sequence change creates a premature translational stop signal (p.Arg533*) in the KCND2 gene. It is expected to result in an absent or disrupted protein product. However, the current clinical and genetic evidence is not sufficient to establish whether loss-of-function variants in KCND2 cause disease. This variant is not present in population databases (gnomAD no frequency). This variant has not been reported in the literature in individuals affected with KCND2-related conditions. In summary, the available evidence is currently insufficient to determine the role of this variant in disease. Therefore, it has been classified as a Variant of Uncertain Significance.

NM_012281.3(KCND2):c.1597C>T (p.Arg533Ter)

Gene: KCND2 (potassium voltage-gated channel subfamily D member 2; plus strand). Cytogenetic location: 7q31.31.
Variant type: single nucleotide variant.
Coding change: c.1597C>T on transcript NM_012281.3 (MANE Select); coding-DNA position 1597, C replaced by T.
Protein change: p.Arg533Ter; replaces arginine 533 with a stop codon.
Molecular consequence: nonsense.
Genome position (GRCh38, 1-based): chr7:120,745,909, C>T. VCF-style: chr7-120745909-C-T. GRCh37 (hg19) VCF-style: chr7-120385963-C-T.
Other names: short protein forms R533*.
Identifiers: ClinVar variation 2767767 (VCV002767767.4), dbSNP rs1482699585, ClinGen allele CA369135598.